The following is an entry in ClinVar:

ClinVar aggregate classification (germline): Likely benign (1 of 4 stars; one submission).

Conditions:
Atypical hemolytic-uremic syndrome. Identifiers: Orphanet 2134, MedGen C2931788, MONDO:0016244.
Age related macular degeneration 4. Identifiers: MedGen C1853147, MONDO:0012540, OMIM 610698.
Basal laminar drusen. Also called: DRUSEN OF BRUCH MEMBRANE; DRUSEN, CUTICULAR; DRUSEN, EARLY ADULT-ONSET, GROUPED. Identifiers: Orphanet 75376, MedGen C0730295, MONDO:0007472, OMIM 126700.
Factor H deficiency (CFHD). Also called: COMPLEMENT FACTOR H DEFICIENCY; CFH DEFICIENCY. Identifiers: Orphanet 200421, MedGen C0398777, MONDO:0012350, OMIM 609814.

Submission:

Genomenon, Inc
Classification: Likely benign for Age related macular degeneration 4; Atypical hemolytic-uremic syndrome; Factor H deficiency; Basal laminar drusen. Last evaluated: 2026-09-17. Review status: criteria provided, single submitter. Criteria: Genomenon Sequence Variant Interpretation Standards - Updated. Collection method: curation. Allele origin: germline. Affected: no.
Comment: CFH c.351-39A>G is an intronic variant located in intron 3. This variant has been reported in the published literature (PMID: 36211394). It is absent or not present at a significant frequency in gnomAD. This variant is not predicted to impact splicing. In conclusion, we classify CFH c.351-39A>G as a likely benign variant.

Literature cited by the submitters: PubMed 36211394.

NM_000186.4(CFH):c.351-39A>G

Gene: CFH (complement factor H; plus strand). Cytogenetic location: 1q31.3.
Variant type: single nucleotide variant.
Coding change: c.351-39A>G on transcript NM_000186.4 (MANE Select); 39 bases into the intron before coding-DNA position 351, A replaced by G.
Molecular consequence: intron variant.
Genome position (GRCh38, 1-based): chr1:196,675,950, A>G. VCF-style: chr1-196675950-A-G. GRCh37 (hg19) VCF-style: chr1-196645080-A-G.
Other names: c.351-39A>G (NM_001014975.3).
Identifiers: ClinVar variation 4291675 (VCV004291675.2).